The following is an entry in ClinVar:

ClinVar aggregate classification (germline): Uncertain significance. Review status: criteria provided, multiple submitters, no conflicts (2 of 4 stars). 2 submissions from 2 submitters: Uncertain significance (2). Last evaluated 2024-05-05.

Conditions:
Cardiovascular phenotype. Identifiers: MedGen CN230736.
Dilated cardiomyopathy 1W (CMD1W). Identifiers: Orphanet 154, MedGen C1969639, MONDO:0012667, OMIM 611407.

Allele frequency attached by ClinVar (database versions not stated): gnomAD 0.00001; TOPMed 0.00001.
gnomAD v4.1: 2 of 1,612,578 alleles (0.00012%); highest among the groups gnomAD compares: African/African-American, 0.0027%; no homozygotes.

Submissions (2):

Ambry Genetics
Classification: Uncertain significance for Cardiovascular phenotype. Last evaluated: 2024-05-05. Review status: criteria provided, single submitter. Criteria: Ambry Variant Classification Scheme 2023. Collection method: clinical testing. Allele origin: germline.
Comment: The p.M799R variant (also known as c.2396T>G), located in coding exon 16 of the VCL gene, results from a T to G substitution at nucleotide position 2396. The methionine at codon 799 is replaced by arginine, an amino acid with similar properties. This amino acid position is conserved. In addition, the in silico prediction for this alteration is inconclusive. Based on the available evidence, the clinical significance of this variant remains unclear.

Labcorp Genetics (formerly Invitae), Labcorp
Classification: Uncertain significance for Dilated cardiomyopathy 1W. Last evaluated: 2023-12-18. Review status: criteria provided, single submitter. Criteria: Invitae Variant Classification Sherloc (09022015). Collection method: clinical testing. Allele origin: germline.
Comment: This sequence change replaces methionine, which is neutral and non-polar, with arginine, which is basic and polar, at codon 799 of the VCL protein (p.Met799Arg). This variant is not present in population databases (gnomAD no frequency). This variant has not been reported in the literature in individuals affected with VCL-related conditions. An algorithm developed to predict the effect of missense changes on protein structure and function (PolyPhen-2) suggests that this variant is likely to be disruptive. In summary, the available evidence is currently insufficient to determine the role of this variant in disease. Therefore, it has been classified as a Variant of Uncertain Significance.

NM_014000.3(VCL):c.2396T>G (p.Met799Arg)

Gene: VCL (vinculin; plus strand). Cytogenetic location: 10q22.2.
Variant type: single nucleotide variant.
Coding change: c.2396T>G on transcript NM_014000.3 (MANE Select); coding-DNA position 2396, T replaced by G.
Protein change: p.Met799Arg; replaces methionine 799 with arginine.
Molecular consequence: missense variant.
Genome position (GRCh38, 1-based): chr10:74,105,315, T>G. VCF-style: chr10-74105315-T-G. GRCh37 (hg19) VCF-style: chr10-75865073-T-G.
Other names: c.2396T>G, p.Met799Arg (NM_003373.4); short protein forms M799R.
Identifiers: ClinVar variation 2778782 (VCV002778782.4), dbSNP rs775881749, ClinGen allele CA209694216.